The following is an entry in ClinVar:

ClinVar aggregate classification (germline): Uncertain significance (1 of 4 stars; one submission).

Allele frequency attached by ClinVar (database versions not stated): ExAC 0.00001; gnomAD exomes 0.00001.
gnomAD v4.1: 5 of 1,612,934 alleles (0.00031%); highest among the groups gnomAD compares: South Asian, 0.0055%; no homozygotes.

Submission:

Labcorp Genetics (formerly Invitae), Labcorp
Classification: Uncertain significance. Last evaluated: 2022-08-22. Review status: criteria provided, single submitter. Criteria: Invitae Variant Classification Sherloc (09022015). Collection method: clinical testing. Allele origin: germline.
Comment: This sequence change replaces glycine, which is neutral and non-polar, with arginine, which is basic and polar, at codon 131 of the OTOF protein (p.Gly131Arg). This variant is present in population databases (rs752935927, gnomAD 0.003%). This variant has not been reported in the literature in individuals affected with OTOF-related conditions. Algorithms developed to predict the effect of missense changes on protein structure and function are either unavailable or do not agree on the potential impact of this missense change (SIFT: "Deleterious"; PolyPhen-2: "Benign"; Align-GVGD: "Class C0"). In summary, the available evidence is currently insufficient to determine the role of this variant in disease. Therefore, it has been classified as a Variant of Uncertain Significance.

NM_194248.3(OTOF):c.391G>A (p.Gly131Arg)

Gene: OTOF (otoferlin; minus strand). Cytogenetic location: 2p23.3.
Variant type: single nucleotide variant.
Coding change: c.391G>A on transcript NM_194248.3 (MANE Select); coding-DNA position 391, G replaced by A.
Protein change: p.Gly131Arg; replaces glycine 131 with arginine.
Molecular consequence: missense variant.
Genome position (GRCh38, 1-based): chr2:26,516,536, C>T on the plus strand (G>A on the coding strand, the complement: OTOF is on the minus strand). VCF-style: chr2-26516536-C-T. GRCh37 (hg19) VCF-style: chr2-26739404-C-T.
Other names: c.391G>A, p.Gly131Arg (NM_001287489.2); short protein forms G131R.
Identifiers: ClinVar variation 1717684 (VCV001717684.3), dbSNP rs752935927, ClinGen allele CA1564678.